The following is an entry in ClinVar:

NM_032447.5(FBN3):c.8300G>A (p.Arg2767Gln)

Gene: FBN3 (fibrillin 3; minus strand). Cytogenetic location: 19p13.2.
Variant type: single nucleotide variant.
Coding change: c.8300G>A on transcript NM_032447.5 (MANE Select); coding-DNA position 8300, G replaced by A.
Protein change: p.Arg2767Gln; replaces arginine 2767 with glutamine.
Molecular consequence: missense variant.
Genome position (GRCh38, 1-based): chr19:8,066,049, C>T on the plus strand (G>A on the coding strand, the complement: FBN3 is on the minus strand). VCF-style: chr19-8066049-C-T. GRCh37 (hg19) VCF-style: chr19-8130933-C-T.
Other names: c.8300G>A, p.Arg2767Gln (NM_001321431.2); short protein forms R2767Q.
Identifiers: ClinVar variation 2912918 (VCV002912918.3), dbSNP rs146438852, ClinGen allele CA9150571.

ClinVar aggregate classification (germline): Uncertain significance (1 of 4 stars; one submission).

Allele frequency attached by ClinVar (database versions not stated): ESP Exome Variant Server 0.00023; gnomAD exomes 0.00063; TOPMed 0.00032; ExAC 0.00020; gnomAD 0.00031.
gnomAD v4.1: 1,014 of 1,613,068 alleles (0.063%); highest among the groups gnomAD compares: Non-Finnish European, 0.078%; no homozygotes.

Submission:

Labcorp Genetics (formerly Invitae), Labcorp
Classification: Uncertain significance. Last evaluated: 2025-12-15. Review status: criteria provided, single submitter. Criteria: Invitae Variant Classification Sherloc (09022015). Collection method: clinical testing. Allele origin: germline.
Comment: This sequence change replaces arginine, which is basic and polar, with glutamine, which is neutral and polar, at codon 2767 of the FBN3 protein (p.Arg2767Gln). This variant is present in population databases (rs146438852, gnomAD 0.04%). This variant has not been reported in the literature in individuals affected with FBN3-related conditions. ClinVar contains an entry for this variant (Variation ID: 2912918). Invitae Evidence Modeling of protein sequence and biophysical properties (such as structural, functional, and spatial information, amino acid conservation, physicochemical variation, residue mobility, and thermodynamic stability) has been performed for this missense variant. However, the output from this modeling did not meet the statistical confidence thresholds required to predict the impact of this variant on FBN3 protein function. In summary, the available evidence is currently insufficient to determine the role of this variant in disease. Therefore, it has been classified as a Variant of Uncertain Significance.